The following is an entry in ClinVar:

ClinVar aggregate classification (germline): Benign. Review status: criteria provided, single submitter (1 of 4 stars). 2 submissions from 2 submitters: Benign (1). 1 of the submissions does not count toward it. Last evaluated 2025-12-29.

Conditions:
SLIT2-related disorder. Also called: SLIT2-related condition.

Allele frequency attached by ClinVar (database versions not stated): ESP Exome Variant Server 0.00015; gnomAD 0.00119 and 0.00354; TOPMed 0.00178; gnomAD exomes 0.00428 and 0.00840; ExAC 0.01174; 1000 Genomes Project 30x 0.01983; 1000 Genomes Project 0.02196.
gnomAD v4.1: 6,651 of 1,568,450 alleles (0.42%); highest among the groups gnomAD compares: South Asian, 5.8%; 193 homozygotes.

Submissions (2):

Labcorp Genetics (formerly Invitae), Labcorp
Classification: Benign. Last evaluated: 2025-12-29. Review status: criteria provided, single submitter. Criteria: Invitae Variant Classification Sherloc (09022015). Collection method: clinical testing. Allele origin: germline.

PreventionGenetics, part of Exact Sciences
Classification: Benign for SLIT2-related condition. Last evaluated: 2022-07-05. Review status: no assertion criteria provided. Collection method: clinical testing. Allele origin: germline. Not counted in ClinVar's aggregate classification.
Comment: This variant is classified as benign based on ACMG/AMP sequence variant interpretation guidelines (Richards et al. 2015 PMID: 25741868, with internal and published modifications).

NM_004787.4(SLIT2):c.1671T>C (p.Leu557=)

Gene: SLIT2 (slit guidance ligand 2; plus strand). Cytogenetic location: 4p15.31.
Variant type: single nucleotide variant.
Coding change: c.1671T>C on transcript NM_004787.4 (MANE Select); coding-DNA position 1671, T replaced by C.
Protein change: p.Leu557=; no amino-acid change (leucine 557 retained).
Molecular consequence: synonymous variant.
Genome position (GRCh38, 1-based): chr4:20,532,041, T>C. VCF-style: chr4-20532041-T-C. GRCh37 (hg19) VCF-style: chr4-20533664-T-C.
Other names: c.1659T>C, p.Leu553= (NM_001289135.3); c.1647T>C, p.Leu549= (NM_001289136.3); c.1671T>C (NM_004787.3).
Identifiers: ClinVar variation 1600438 (VCV001600438.10), dbSNP rs117040911, ClinGen allele CA2871565.